The following is an entry in ClinVar:

NM_001164508.2(NEB):c.8750A>T (p.Asp2917Val)

Gene: NEB (nebulin; minus strand). Cytogenetic location: 2q23.3.
Variant type: single nucleotide variant.
Coding change: c.8750A>T on transcript NM_001164508.2 (MANE Select); coding-DNA position 8750, A replaced by T.
Protein change: p.Asp2917Val; replaces aspartic acid 2917 with valine.
Molecular consequence: missense variant.
Genome position (GRCh38, 1-based): chr2:151,639,996, T>A on the plus strand (A>T on the coding strand, the complement: NEB is on the minus strand). VCF-style: chr2-151639996-T-A. GRCh37 (hg19) VCF-style: chr2-152496510-T-A.
Other names: c.8750A>T, p.Asp2917Val (NM_001164507.2, NM_001271208.2, NM_004543.5); short protein forms D2917V.
Identifiers: ClinVar variation 4693205 (VCV004693205.1).

ClinVar aggregate classification (germline): Uncertain significance (1 of 4 stars; one submission).

Conditions:
Nemaline myopathy 2 (NEM2). Also called: Nemaline myopathy 2, autosomal recessive. Identifiers: MedGen C1850569, MONDO:0009725, OMIM 256030.

gnomAD v4.1: 9 of 1,613,960 alleles (0.00056%); highest among the groups gnomAD compares: Non-Finnish European, 0.00076%; no homozygotes.

Submission:

Labcorp Genetics (formerly Invitae), Labcorp
Classification: Uncertain significance for Nemaline myopathy 2. Last evaluated: 2026-01-15. Review status: criteria provided, single submitter. Criteria: Invitae Variant Classification Sherloc (09022015). Collection method: clinical testing. Allele origin: germline.
Comment: This sequence change replaces aspartic acid, which is acidic and polar, with valine, which is neutral and non-polar, at codon 2917 of the NEB protein (p.Asp2917Val). This variant is present in population databases (rs777118594, gnomAD 0.0009%). This variant has not been reported in the literature in individuals affected with NEB-related conditions. Experimental studies and prediction algorithms are not available or were not evaluated, and the functional significance of this variant is currently unknown. In summary, the available evidence is currently insufficient to determine the role of this variant in disease. Therefore, it has been classified as a Variant of Uncertain Significance.